The following is an entry in ClinVar:

NM_020184.4(CNNM4):c.2244G>A (p.Glu748=)

Gene: CNNM4 (cyclin and CBS domain divalent metal cation transport mediator 4; plus strand). Cytogenetic location: 2q11.2.
Variant type: single nucleotide variant.
Coding change: c.2244G>A on transcript NM_020184.4 (MANE Select); coding-DNA position 2244, G replaced by A.
Protein change: p.Glu748=; no amino-acid change (glutamic acid 748 retained).
Molecular consequence: synonymous variant.
Genome position (GRCh38, 1-based): chr2:96,809,433, G>A. VCF-style: chr2-96809433-G-A. GRCh37 (hg19) VCF-style: chr2-97475170-G-A.
Other names: c.2244G>A (NM_020184.3).
Identifiers: ClinVar variation 1104120 (VCV001104120.12), dbSNP rs765943725, ClinGen allele CA1783622.

ClinVar aggregate classification (germline): Likely benign. Review status: criteria provided, single submitter (1 of 4 stars). 2 submissions from 2 submitters: Likely benign (1). 1 of the submissions does not count toward it. Last evaluated 2025-09-11.

Conditions:
CNNM4-related disorder. Also called: CNNM4-related condition.

gnomAD v4.1: 27 of 1,614,104 alleles (0.0017%); highest among the groups gnomAD compares: Admixed American, 0.023%; no homozygotes.

Submissions (2):

Labcorp Genetics (formerly Invitae), Labcorp
Classification: Likely benign. Last evaluated: 2025-09-11. Review status: criteria provided, single submitter. Criteria: Invitae Variant Classification Sherloc (09022015). Collection method: clinical testing. Allele origin: germline.

PreventionGenetics, part of Exact Sciences
Classification: Likely benign for CNNM4-related condition. Last evaluated: 2022-10-11. Review status: no assertion criteria provided. Collection method: clinical testing. Allele origin: germline. Not counted in ClinVar's aggregate classification.
Comment: This variant is classified as likely benign based on ACMG/AMP sequence variant interpretation guidelines (Richards et al. 2015 PMID: 25741868, with internal and published modifications).